The following is an entry in ClinVar:

NM_133259.4(LRPPRC):c.35T>C (p.Leu12Pro)

Gene: LRPPRC (leucine rich pentatricopeptide repeat containing; minus strand). Cytogenetic location: 2p21.
Variant type: single nucleotide variant.
Coding change: c.35T>C on transcript NM_133259.4 (MANE Select); coding-DNA position 35, T replaced by C.
Protein change: p.Leu12Pro; replaces leucine 12 with proline.
Molecular consequence: missense variant.
Genome position (GRCh38, 1-based): chr2:43,995,913, A>G on the plus strand (T>C on the coding strand, the complement: LRPPRC is on the minus strand). VCF-style: chr2-43995913-A-G. GRCh37 (hg19) VCF-style: chr2-44223052-A-G.
Other names: c.35T>C (NM_133259.3); short protein forms L12P.
Identifiers: ClinVar variation 1404058 (VCV001404058.5), dbSNP rs1273190298, ClinGen allele CA346679313.

ClinVar aggregate classification (germline): Uncertain significance. Review status: criteria provided, multiple submitters, no conflicts (2 of 4 stars). 2 submissions from 2 submitters: Uncertain significance (2). Last evaluated 2025-04-12.

Conditions:
Inborn genetic diseases. Identifiers: MedGen C0950123, MeSH D030342.

Allele frequency attached by ClinVar (database versions not stated): TOPMed below 0.00001; gnomAD exomes 0.00001.
gnomAD v4.1: 7 of 1,517,718 alleles (0.00046%); highest among the groups gnomAD compares: Non-Finnish European, 0.00061%; no homozygotes.

Submissions (2):

Ambry Genetics
Classification: Uncertain significance for Inborn genetic diseases. Last evaluated: 2025-04-12. Review status: criteria provided, single submitter. Criteria: Ambry Variant Classification Scheme 2023. Collection method: clinical testing. Allele origin: germline.

Labcorp Genetics (formerly Invitae), Labcorp
Classification: Uncertain significance. Last evaluated: 2021-12-03. Review status: criteria provided, single submitter. Criteria: Invitae Variant Classification Sherloc (09022015). Collection method: clinical testing. Allele origin: germline.
Comment: This sequence change replaces leucine, which is neutral and non-polar, with proline, which is neutral and non-polar, at codon 12 of the LRPPRC protein (p.Leu12Pro). The frequency data for this variant in the population databases is considered unreliable, as metrics indicate poor data quality at this position in the gnomAD database. This variant has not been reported in the literature in individuals affected with LRPPRC-related conditions. Algorithms developed to predict the effect of missense changes on protein structure and function are either unavailable or do not agree on the potential impact of this missense change (SIFT: "Tolerated"; PolyPhen-2: "Not Available"; Align-GVGD: "Class C0"). In summary, the available evidence is currently insufficient to determine the role of this variant in disease. Therefore, it has been classified as a Variant of Uncertain Significance.